The following is an entry in ClinVar:

ClinVar aggregate classification (germline): Uncertain significance (1 of 4 stars; one submission).

Submission:

Labcorp Genetics (formerly Invitae), Labcorp
Classification: Uncertain significance. Last evaluated: 2022-01-03. Review status: criteria provided, single submitter. Criteria: Invitae Variant Classification Sherloc (09022015). Collection method: clinical testing. Allele origin: germline.
Comment: Algorithms developed to predict the effect of missense changes on protein structure and function are either unavailable or do not agree on the potential impact of this missense change (SIFT: "Tolerated"; PolyPhen-2: "Probably Damaging"; Align-GVGD: "Class C0"). This variant has not been reported in the literature in individuals affected with DNAJC21-related conditions. This variant is not present in population databases (gnomAD no frequency). This sequence change replaces valine, which is neutral and non-polar, with phenylalanine, which is neutral and non-polar, at codon 94 of the DNAJC21 protein (p.Val94Phe). In summary, the available evidence is currently insufficient to determine the role of this variant in disease. Therefore, it has been classified as a Variant of Uncertain Significance.

NM_001012339.3(DNAJC21):c.280G>T (p.Val94Phe)

Gene: DNAJC21 (DnaJ heat shock protein family (Hsp40) member C21; plus strand). Cytogenetic location: 5p13.2.
Variant type: single nucleotide variant.
Coding change: c.280G>T on transcript NM_001012339.3 (MANE Select); coding-DNA position 280, G replaced by T.
Protein change: p.Val94Phe; replaces valine 94 with phenylalanine.
Molecular consequence: missense variant.
Genome position (GRCh38, 1-based): chr5:34,935,798, G>T. VCF-style: chr5-34935798-G-T. GRCh37 (hg19) VCF-style: chr5-34935903-G-T.
Other names: c.280G>T, p.Val94Phe (NM_001348420.2, NM_194283.4); short protein forms V94F.
Identifiers: ClinVar variation 1392677 (VCV001392677.6), dbSNP rs780572204, ClinGen allele CA359413331.